The following is an entry in ClinVar:

NM_017415.3(KLHL3):c.1582C>T (p.Arg528Cys)

Gene: KLHL3 (kelch like family member 3; minus strand). Cytogenetic location: 5q31.2.
Variant type: single nucleotide variant.
Coding change: c.1582C>T on transcript NM_017415.3 (MANE Select); coding-DNA position 1582, C replaced by T.
Protein change: p.Arg528Cys; replaces arginine 528 with cysteine.
Molecular consequence: missense variant.
Genome position (GRCh38, 1-based): chr5:137,628,306, G>A on the plus strand (C>T on the coding strand, the complement: KLHL3 is on the minus strand). VCF-style: chr5-137628306-G-A. GRCh37 (hg19) VCF-style: chr5-136963995-G-A.
Other names: c.1582C>T (NM_017415.2); c.1486C>T, p.Arg496Cys (NM_001257194.1); c.1336C>T, p.Arg446Cys (NM_001257195.2); short protein forms R528C, R446C, R496C.
Identifiers: ClinVar variation 30522 (VCV000030522.12), dbSNP rs199469635, ClinGen allele CA129308.

ClinVar aggregate classification (germline): Pathogenic/Likely pathogenic. Review status: criteria provided, multiple submitters, no conflicts (2 of 4 stars). 6 submissions from 6 submitters: Pathogenic (1); Likely pathogenic (3). 2 of the submissions do not count toward it. Last evaluated 2026-03-21.

Conditions:
Pseudohypoaldosteronism type 2D (PHA2D). Also called: Pseudohypoaldosteronism Type IID; FAMILIAL HYPERKALEMIC HYPERTENSION; PSEUDOHYPOALDOSTERONISM, TYPE IID, AUTOSOMAL DOMINANT OR RECESSIVE. Identifiers: Orphanet 300525, Orphanet 757, MedGen C3469605, MONDO:0013781, OMIM 614495.
Pseudohypoaldosteronism type 2A (PHA2A). Also called: GORDON HYPERKALEMIA-HYPERTENSION SYNDROME; HYPERTENSIVE HYPERKALEMIA, FAMILIAL. Identifiers: Orphanet 757, Orphanet 88938, MedGen C1840389, MONDO:0007772, OMIM 145260.

Allele frequency attached by ClinVar (database versions not stated): gnomAD exomes below 0.00001.
gnomAD v4.1: 1 of 1,614,156 alleles (0.000062%); highest among the groups gnomAD compares: Non-Finnish European, 0.000085%; no homozygotes.

Submissions (6):

GeneDx
Classification: Pathogenic. Last evaluated: 2026-03-21. Review status: criteria provided, single submitter. Criteria: GeneDx Variant Classification Process June 2021. Collection method: clinical testing. Allele origin: germline.
Comment: Not observed at significant frequency in large population cohorts (gnomAD); In silico analysis supports that this missense variant has a deleterious effect on protein structure/function; This variant is associated with the following publications: (PMID: 23665031, 22266938, 23387299, 22406640, 39553548)

Fulgent Genetics
Classification: Likely pathogenic for Pseudohypoaldosteronism type 2D. Last evaluated: 2024-04-18. Review status: criteria provided, single submitter. Criteria: ACMG Guidelines, 2015. Collection method: clinical testing. Allele origin: germline.

Revvity Omics, Revvity
Classification: Likely pathogenic for Pseudohypoaldosteronism type 2D. Last evaluated: 2021-08-02. Review status: criteria provided, single submitter. Criteria: ACMG Guidelines, 2015. Collection method: clinical testing. Allele origin: germline.

Juno Genomics, Hangzhou Juno Genomics, Inc
Classification: Likely pathogenic for Pseudohypoaldosteronism type 2D. Review status: criteria provided, single submitter. Criteria: ACMG Guidelines, 2015. Collection method: clinical testing. Allele origin: germline.
Comment: Absent from controls (or at extremely low frequency if recessive) in Genome Aggregation Database.;Novel missense change at an amino acid residue where a different missense change determined to be pathogenic has been seen before.;The prevalence of the variant in affected individuals is significantly increased compared to the prevalence in controls.;Patient's phenotype or family history is highly specific for a disease with a single genetic etiology.;Co-segregation with disease in multiple affected family members.;Well-established in vitro or in vivo functional studies supportive of a damaging effect on the gene or gene product.

OMIM
Classification: Pathogenic for PSEUDOHYPOALDOSTERONISM, TYPE IID, AUTOSOMAL DOMINANT. Last evaluated: 2012-03-11. Review status: no assertion criteria provided. Collection method: literature only. Allele origin: germline. Not counted in ClinVar's aggregate classification.

Richard Lifton Laboratory, Yale University School of Medicine
Classification: Pathogenic for Pseudohypoaldosteronism, type 2. Review status: no assertion criteria provided. Collection method: not provided. Allele origin: germline. Not counted in ClinVar's aggregate classification.
Comment: dominant;Kelch propeller domain
ClinVar note: Converted during submission from pathogenic to Pathogenic.

Literature cited by the submitters: PubMed 22266938 (cited by OMIM); PubMed 22406640 (cited by OMIM).